The following is an entry in ClinVar:

ClinVar aggregate classification (germline): Likely pathogenic (1 of 4 stars; one submission).

Conditions:
Nemaline myopathy 2 (NEM2). Also called: Nemaline myopathy 2, autosomal recessive. Identifiers: MedGen C1850569, MONDO:0009725, OMIM 256030.

Allele frequency attached by ClinVar (database versions not stated): gnomAD exomes below 0.00001.
gnomAD v4.1: 5 of 1,601,598 alleles (0.00031%); highest among the groups gnomAD compares: Non-Finnish European, 0.00043%; no homozygotes.

Submission:

Labcorp Genetics (formerly Invitae), Labcorp
Classification: Likely pathogenic for Nemaline myopathy 2. Last evaluated: 2023-03-16. Review status: criteria provided, single submitter. Criteria: Invitae Variant Classification Sherloc (09022015). Collection method: clinical testing. Allele origin: germline.
Comment: In summary, the currently available evidence indicates that the variant is pathogenic, but additional data are needed to prove that conclusively. Therefore, this variant has been classified as Likely Pathogenic. Algorithms developed to predict the effect of sequence changes on RNA splicing suggest that this variant may disrupt the consensus splice site. This variant has not been reported in the literature in individuals affected with NEB-related conditions. This variant is not present in population databases (gnomAD no frequency). This sequence change affects an acceptor splice site in intron 80 of the NEB gene. It is expected to disrupt RNA splicing. Variants that disrupt the donor or acceptor splice site typically lead to a loss of protein function (PMID: 16199547), and loss-of-function variants in NEB are known to be pathogenic (PMID: 25205138).

Literature cited by the submitters: PubMed 16199547; PubMed 25205138.

NM_001164508.2(NEB):c.12019-2A>G

Gene: NEB (nebulin; minus strand). Cytogenetic location: 2q23.3.
Variant type: single nucleotide variant.
Coding change: c.12019-2A>G on transcript NM_001164508.2 (MANE Select); the canonical splice acceptor site of the intron before coding-DNA position 12019, A replaced by G.
Molecular consequence: splice acceptor variant.
Genome position (GRCh38, 1-based): chr2:151,610,122, T>C on the plus strand (A>G on the coding strand, the complement: NEB is on the minus strand). VCF-style: chr2-151610122-T-C. GRCh37 (hg19) VCF-style: chr2-152466636-T-C.
Other names: c.11290-2A>G (NM_004543.5); c.12019-2A>G (NM_001164507.2, NM_001271208.2).
Identifiers: ClinVar variation 2981590 (VCV002981590.3), dbSNP rs1553884554, ClinGen allele CA348777981.